The following is an entry in ClinVar:

ClinVar aggregate classification (germline): Likely pathogenic (1 of 4 stars; one submission).

Conditions:
Autosomal dominant non-syndromic intellectual disability. Identifiers: Orphanet 178469, MedGen C5680502, MONDO:0015802.

Submission:

Department of Human Genetics, University Hospital Bern, Inselspital
Classification: Likely pathogenic for Autosomal dominant non-syndromic intellectual disability. Last evaluated: 2026-05-03. Review status: criteria provided, single submitter. Criteria: ACMG Guidelines, 2015. Collection method: clinical testing. Allele origin: unknown. Affected: yes.
Comment: The variant leads to an early stop codon likely resulting in nonsense-mediated mRNA decay. The variant is absent from gnomAD v4.1.0. In summary, criteria PVS1 and PM2_Supporting were used.

Literature cited by the submitters: PubMed 42509346.

NM_001256627.2(BRSK2):c.131del (p.Lys44fs)

Gene: BRSK2 (BR serine/threonine kinase 2; plus strand). Cytogenetic location: 11p15.5.
Variant type: Deletion.
Coding change: c.131del on transcript NM_001256627.2 (MANE Select); coding-DNA position 131, one base deleted (A; older notation c.131delA).
Protein change: p.Lys44fs; shifts the reading frame from lysine 44.
Molecular consequence: frameshift variant. On other transcripts: 5 prime UTR variant (8), non-coding transcript variant (1).
Genome position (GRCh38, 1-based): chr11:1,436,079, A deleted; the last of 2 consecutive A bases (chr11:1,436,078-1,436,079); deleting either gives the same sequence. VCF-style (leftmost placement, unchanged base first): chr11-1436077-GA-G. GRCh37 (hg19) VCF-style: chr11-1457307-GA-G.
Other names: c.131del, p.Lys44fs (NM_001256629.2, NM_001440665.1, NM_001440666.1 and 3 more transcripts); c.269del, p.Lys90fs (NM_001256630.1, NM_001440667.1); c.-50del (NM_001282218.2, NM_001440669.1, NM_001440671.1 and 5 more transcripts); short protein forms K44fs, K90fs.
Identifiers: ClinVar variation 4849545 (VCV004849545.1).